The following is an entry in ClinVar:

ClinVar aggregate classification (germline): Uncertain significance (1 of 4 stars; one submission).

Submission:

Labcorp Genetics (formerly Invitae), Labcorp
Classification: Uncertain significance. Last evaluated: 2024-08-11. Review status: criteria provided, single submitter. Criteria: Invitae Variant Classification Sherloc (09022015). Collection method: clinical testing. Allele origin: germline.
Comment: This sequence change replaces leucine, which is neutral and non-polar, with phenylalanine, which is neutral and non-polar, at codon 6 of the SRP54 protein (p.Leu6Phe). This variant is not present in population databases (gnomAD no frequency). This variant has not been reported in the literature in individuals affected with SRP54-related conditions. Advanced modeling of protein sequence and biophysical properties (such as structural, functional, and spatial information, amino acid conservation, physicochemical variation, residue mobility, and thermodynamic stability) performed at Invitae indicates that this missense variant is expected to disrupt SRP54 protein function with a positive predictive value of 80%. In summary, the available evidence is currently insufficient to determine the role of this variant in disease. Therefore, it has been classified as a Variant of Uncertain Significance.

NM_003136.4(SRP54):c.16C>T (p.Leu6Phe)

Gene: SRP54 (signal recognition particle 54; plus strand). Cytogenetic location: 14q13.2.
Variant type: single nucleotide variant.
Coding change: c.16C>T on transcript NM_003136.4 (MANE Select); coding-DNA position 16, C replaced by T.
Protein change: p.Leu6Phe; replaces leucine 6 with phenylalanine.
Molecular consequence: missense variant. On other transcripts: 5 prime UTR variant (1).
Genome position (GRCh38, 1-based): chr14:34,996,725, C>T. VCF-style: chr14-34996725-C-T. GRCh37 (hg19) VCF-style: chr14-35465931-C-T.
Other names: c.-40C>T (NM_001146282.2); c.16C>T, p.Leu6Phe (NM_001411017.1); short protein forms L6F.
Identifiers: ClinVar variation 3662024 (VCV003662024.2).